The following is an entry in ClinVar:

NM_000051.4(ATM):c.7838G>A (p.Arg2613Lys)

Genes: ATM (ATM serine/threonine kinase; plus strand), C11orf65 (chromosome 11 open reading frame 65; minus strand). Cytogenetic location: 11q22.3.
Variant type: single nucleotide variant.
Coding change: c.7838G>A on transcript NM_000051.4 (MANE Select); coding-DNA position 7838, G replaced by A.
Protein change: p.Arg2613Lys; replaces arginine 2613 with lysine.
Molecular consequence: missense variant. On other transcripts: intron variant (2).
Genome position (GRCh38, 1-based): chr11:108,332,811, G>A. VCF-style: chr11-108332811-G-A. GRCh37 (hg19) VCF-style: chr11-108203538-G-A.
Other names: c.7838G>A, p.Arg2613Lys (NM_001351834.2); c.641-23740C>T (NM_001330368.2); c.*38+2409C>T (NM_001351110.2); short protein forms R2613K.
Identifiers: ClinVar variation 1760827 (VCV001760827.2), dbSNP rs2136564878, ClinGen allele CA382561340.

ClinVar aggregate classification (germline): Uncertain significance (1 of 4 stars; one submission).

Conditions:
Hereditary cancer-predisposing syndrome. Also called: Hereditary neoplastic syndrome; Neoplastic Syndromes, Hereditary; Tumor predisposition; Hereditary Cancer Syndrome. Identifiers: Orphanet 140162, MedGen C0027672, MeSH D009386, MONDO:0015356.

Submission:

Ambry Genetics
Classification: Uncertain significance for Hereditary cancer-predisposing syndrome. Last evaluated: 2021-10-11. Review status: criteria provided, single submitter. Criteria: Ambry Variant Classification Scheme 2023. Collection method: clinical testing. Allele origin: germline.
Comment: The p.R2613K variant (also known as c.7838G>A), located in coding exon 52 of the ATM gene, results from a G to A substitution at nucleotide position 7838. The arginine at codon 2613 is replaced by lysine, an amino acid with highly similar properties. This amino acid position is highly conserved in available vertebrate species. In addition, the in silico prediction for this alteration is inconclusive. Since supporting evidence is limited at this time, the clinical significance of this alteration remains unclear.